The following is an entry in ClinVar:

NM_015072.5(TTLL5):c.301A>C (p.Thr101Pro)

Gene: TTLL5 (tubulin tyrosine ligase like 5; plus strand). Cytogenetic location: 14q24.3.
Variant type: single nucleotide variant.
Coding change: c.301A>C on transcript NM_015072.5 (MANE Select); coding-DNA position 301, A replaced by C.
Protein change: p.Thr101Pro; replaces threonine 101 with proline.
Molecular consequence: missense variant.
Genome position (GRCh38, 1-based): chr14:75,683,586, A>C. VCF-style: chr14-75683586-A-C. GRCh37 (hg19) VCF-style: chr14-76149929-A-C.
Other names: short protein forms T101P.
Identifiers: ClinVar variation 1363833 (VCV001363833.6), dbSNP rs1469769763, ClinGen allele CA390452473.

ClinVar aggregate classification (germline): Uncertain significance (1 of 4 stars; one submission).

Submission:

Labcorp Genetics (formerly Invitae), Labcorp
Classification: Uncertain significance. Last evaluated: 2021-10-07. Review status: criteria provided, single submitter. Criteria: Invitae Variant Classification Sherloc (09022015). Collection method: clinical testing. Allele origin: germline.
Comment: This sequence change replaces threonine with proline at codon 101 of the TTLL5 protein (p.Thr101Pro). The threonine residue is highly conserved and there is a small physicochemical difference between threonine and proline. This variant is not present in population databases (ExAC no frequency). This variant has not been reported in the literature in individuals affected with TTLL5-related conditions. Algorithms developed to predict the effect of missense changes on protein structure and function are either unavailable or do not agree on the potential impact of this missense change (SIFT: "Deleterious"; PolyPhen-2: "Probably Damaging"; Align-GVGD: "Class C0"). In summary, the available evidence is currently insufficient to determine the role of this variant in disease. Therefore, it has been classified as a Variant of Uncertain Significance.